The following is an entry in ClinVar:

NM_000061.3(BTK):c.1748T>C (p.Phe583Ser)

Gene: BTK (Bruton tyrosine kinase; minus strand). Cytogenetic location: Xq22.1.
Variant type: single nucleotide variant.
Coding change: c.1748T>C on transcript NM_000061.3 (MANE Select); coding-DNA position 1748, T replaced by C.
Protein change: p.Phe583Ser; replaces phenylalanine 583 with serine.
Molecular consequence: missense variant.
Genome position (GRCh38, 1-based): chrX:101,353,872, A>G on the plus strand (T>C on the coding strand, the complement: BTK is on the minus strand). VCF-style: chrX-101353872-A-G. GRCh37 (hg19) VCF-style: chrX-100608860-A-G.
Other names: c.1850T>C, p.Phe617Ser (NM_001287344.2); c.1220T>C, p.Phe407Ser (NM_001287345.2); short protein forms F407S, F583S, F617S.
Identifiers: ClinVar variation 4279077 (VCV004279077.2).

ClinVar aggregate classification (germline): Likely pathogenic. Review status: criteria provided, single submitter (1 of 4 stars). 2 submissions from 2 submitters: Likely pathogenic (1). 1 of the submissions does not count toward it. Last evaluated 2026-04-22.

Conditions:
Agammaglobulinaemia with absent BTK expression.
X-linked agammaglobulinemia (XLA). Also called: IMMUNODEFICIENCY 1; Bruton's agammaglobulinemia; AGAMMAGLOBULINEMIA, X-LINKED, TYPE 1; Agammaglobulinemia, Bruton tyrosine kinase; Agammaglobulinemia, BTK; BTK-deficiency. Identifiers: Orphanet 229717, Orphanet 47, MedGen C0221026, MONDO:0010421, OMIM 300755.

Submissions (2):

Genetics Laboratory, Great Ormond Street Hospital NHS Foundation Trust, North Thames Genomic Laboratory Hub
Classification: Likely pathogenic for Agammaglobulinaemia with absent BTK expression. Last evaluated: 2026-04-22. Review status: criteria provided, single submitter. Criteria: ACGS Best Practice Guidelines for Variant Classification in Rare Disease 2024 v1.2. Collection method: clinical testing. Allele origin: germline. Affected: yes.
Comment: PS4_moderate, PM2_moderate, PP3_supporting, PM5_moderate, PP2_supporting, PP4_supporting

Laboratory of Research in Genomics, Genetics and Bioinformatics, Hospital Infantil de Mexico Federico Gomez
Classification: Pathogenic for X-linked agammaglobulinemia. Last evaluated: 2025-04-08. Review status: no assertion criteria provided. Collection method: research. Allele origin: germline. Affected: yes. Not counted in ClinVar's aggregate classification.